The following is an entry in ClinVar:

ClinVar aggregate classification (germline): Pathogenic. Review status: criteria provided, multiple submitters, no conflicts (2 of 4 stars). 4 submissions from 4 submitters: Pathogenic (3). 1 of the submissions does not count toward it. Last evaluated 2026-03-12.

Conditions:
Inborn genetic diseases. Identifiers: MedGen C0950123, MeSH D030342.
Glycogen storage disease due to phosphoglycerate kinase 1 deficiency. Also called: PHOSPHOGLYCERATE KINASE 1 DEFICIENCY WITH LEVO-DOPA-RESPONSIVE PARKINSONISM; PGK1 DEFICIENCY. Identifiers: Orphanet 713, MedGen C1970848, MONDO:0010392, OMIM 300653.

Submissions (4):

Ambry Genetics
Classification: Pathogenic for Inborn genetic diseases. Last evaluated: 2026-03-12. Review status: criteria provided, single submitter. Criteria: Ambry Variant Classification Scheme 2023. Collection method: clinical testing. Allele origin: germline.
Comment: The c.491A>T (p.D164V) alteration is located in exon 5 (coding exon 5) of the PGK1 gene. This alteration results from an A to T substitution at nucleotide position 491, causing the aspartic acid (D) at amino acid position 164 to be replaced by a valine (V). This variant was not reported in population-based cohorts in the Genome Aggregation Database (gnomAD). This variant was identified in one or more individuals with features consistent with phosphoglycerate kinase 1 deficiency (Cohen-Solal, 1994; Turner, 1995; Flanagan, 2006) and segregated with disease in at least one family (Turner, 1995; Morales-Brice&ntilde;o, 2019). This amino acid position is highly conserved in available vertebrate species. Functional studies suggest perturbed thermal stability and catalytic efficiency of PGK1; however, additional evidence is needed to confirm these findings (Chiarelli, 2012). This alteration is predicted to be deleterious by in silico analysis. Based on the available evidence, this alteration is classified as pathogenic.

Center for Genomic Medicine, Rigshospitalet, Copenhagen University Hospital
Classification: Pathogenic. Last evaluated: 2025-03-04. Review status: criteria provided, single submitter. Criteria: ACMG Guidelines, 2015. Collection method: clinical testing. Allele origin: germline.

GeneDx
Classification: Pathogenic. Last evaluated: 2023-08-29. Review status: criteria provided, single submitter. Criteria: GeneDx Variant Classification Process June 2021. Collection method: clinical testing. Allele origin: germline. Affected: yes.
Comment: Published functional studies demonstrate a damaging effect in enzyme activity (PMID: 22348148); Not observed at significant frequency in large population cohorts (gnomAD); In silico analysis supports that this missense variant has a deleterious effect on protein structure/function; This variant is associated with the following publications: (PMID: 16740138, 7577653, 24970202, 26975778, 26396085, 8043870, 30887539, 30975619, 22348148)

OMIM
Classification: Pathogenic for PHOSPHOGLYCERATE KINASE 1 DEFICIENCY, AMIENS. Last evaluated: 2006-07-01. Review status: no assertion criteria provided. Collection method: literature only. Allele origin: germline. Not counted in ClinVar's aggregate classification.

Literature cited by the submitters: PubMed 7577653 (cited by Ambry Genetics and OMIM); PubMed 8043870 (cited by Ambry Genetics and OMIM); PubMed 16740138 (cited by 3 submitters); PubMed 22348148 (cited by Ambry Genetics and Center for Genomic Medicine, Rigshospitalet, Copenhagen University Hospital); PubMed 30975619 (cited by Ambry Genetics and OMIM); PubMed 30887539 (cited by Center for Genomic Medicine, Rigshospitalet, Copenhagen University Hospital); PubMed 17661373 (cited by Center for Genomic Medicine, Rigshospitalet, Copenhagen University Hospital); PubMed 5764452 (cited by OMIM).

NM_000291.4(PGK1):c.491A>T (p.Asp164Val)

Gene: PGK1 (phosphoglycerate kinase 1; plus strand). Cytogenetic location: Xq21.1.
Variant type: single nucleotide variant.
Coding change: c.491A>T on transcript NM_000291.4 (MANE Select); coding-DNA position 491, A replaced by T.
Protein change: p.Asp164Val; replaces aspartic acid 164 with valine.
Molecular consequence: missense variant.
Genome position (GRCh38, 1-based): chrX:78,117,385, A>T. VCF-style: chrX-78117385-A-T. GRCh37 (hg19) VCF-style: chrX-77372882-A-T.
Other names: PGK Amiens; c.491A>T (NM_000291.3); short protein forms D164V.
Identifiers: ClinVar variation 9954 (VCV000009954.6), dbSNP rs137852538, ClinGen allele CA120836.